The following is an entry in ClinVar:

NM_015311.3(OBSL1):c.1765C>G (p.Arg589Gly)

Gene: OBSL1 (obscurin like cytoskeletal adaptor 1; minus strand). Cytogenetic location: 2q35.
Variant type: single nucleotide variant.
Coding change: c.1765C>G on transcript NM_015311.3 (MANE Select); coding-DNA position 1765, C replaced by G.
Protein change: p.Arg589Gly; replaces arginine 589 with glycine.
Molecular consequence: missense variant.
Genome position (GRCh38, 1-based): chr2:219,567,345, G>C on the plus strand (C>G on the coding strand, the complement: OBSL1 is on the minus strand). VCF-style: chr2-219567345-G-C. GRCh37 (hg19) VCF-style: chr2-220432067-G-C.
Other names: c.1765C>G, p.Arg589Gly (NM_001173408.2, NM_001173431.2); c.1765C>G (NM_015311.2); short protein forms R589G.
Identifiers: ClinVar variation 1474352 (VCV001474352.6), dbSNP rs751111284, ClinGen allele CA2131435.

ClinVar aggregate classification (germline): Uncertain significance. Review status: criteria provided, multiple submitters, no conflicts (2 of 4 stars). 2 submissions from 2 submitters: Uncertain significance (2). Last evaluated 2025-10-07.

Conditions:
Inborn genetic diseases. Identifiers: MedGen C0950123, MeSH D030342.

Allele frequency attached by ClinVar (database versions not stated): TOPMed 0.00002; ExAC 0.00003; gnomAD 0.00001; gnomAD exomes 0.00003.
gnomAD v4.1: 39 of 1,611,164 alleles (0.0024%); highest among the groups gnomAD compares: Middle Eastern, 0.016%; no homozygotes.

Submissions (2):

Ambry Genetics
Classification: Uncertain significance for Inborn genetic diseases. Last evaluated: 2025-10-07. Review status: criteria provided, single submitter. Criteria: Ambry Variant Classification Scheme 2023. Collection method: clinical testing. Allele origin: germline.

Labcorp Genetics (formerly Invitae), Labcorp
Classification: Uncertain significance. Last evaluated: 2021-09-01. Review status: criteria provided, single submitter. Criteria: Invitae Variant Classification Sherloc (09022015). Collection method: clinical testing. Allele origin: germline.
Comment: This sequence change replaces arginine with glycine at codon 589 of the OBSL1 protein (p.Arg589Gly). The arginine residue is moderately conserved and there is a moderate physicochemical difference between arginine and glycine. This variant is present in population databases (rs751111284, ExAC 0.005%). This variant has not been reported in the literature in individuals affected with OBSL1-related conditions. Algorithms developed to predict the effect of missense changes on protein structure and function are either unavailable or do not agree on the potential impact of this missense change (SIFT: "Tolerated"; PolyPhen-2: "Possibly Damaging"; Align-GVGD: "Class C0"). In summary, the available evidence is currently insufficient to determine the role of this variant in disease. Therefore, it has been classified as a Variant of Uncertain Significance.